The following is an entry in ClinVar:

NM_015627.3(LDLRAP1):c.10C>T (p.Leu4Phe)

Genes: LDLRAP1 (low density lipoprotein receptor adaptor protein 1; plus strand), LOC129929773 (ATAC-STARR-seq lymphoblastoid silent region 456; plus strand). Cytogenetic location: 1p36.11.
Variant type: single nucleotide variant.
Coding change: c.10C>T on transcript NM_015627.3 (MANE Select); coding-DNA position 10, C replaced by T.
Protein change: p.Leu4Phe; replaces leucine 4 with phenylalanine.
Molecular consequence: missense variant.
Genome position (GRCh38, 1-based): chr1:25,543,708, C>T. VCF-style: chr1-25543708-C-T. GRCh37 (hg19) VCF-style: chr1-25870199-C-T.
Other names: short protein forms L4F.
Identifiers: ClinVar variation 1791993 (VCV001791993.2), dbSNP rs1161357167, ClinGen allele CA339076449.

ClinVar aggregate classification (germline): Uncertain significance (1 of 4 stars; one submission).

Conditions:
Cardiovascular phenotype. Identifiers: MedGen CN230736.

Allele frequency attached by ClinVar (database versions not stated): TOPMed 0.00003.

Submission:

Ambry Genetics
Classification: Uncertain significance for Cardiovascular phenotype. Last evaluated: 2022-03-30. Review status: criteria provided, single submitter. Criteria: Ambry Variant Classification Scheme 2023. Collection method: clinical testing. Allele origin: germline.
Comment: The p.L4F variant (also known as c.10C>T), located in coding exon 1 of the LDLRAP1 gene, results from a C to T substitution at nucleotide position 10. The leucine at codon 4 is replaced by phenylalanine, an amino acid with highly similar properties. This amino acid position is conserved. In addition, this alteration is predicted to be tolerated by in silico analysis. Since supporting evidence is limited at this time, the clinical significance of this alteration remains unclear.